The following is an entry in ClinVar:

ClinVar aggregate classification (germline): Benign. Review status: criteria provided, multiple submitters, no conflicts (2 of 4 stars). 3 submissions from 3 submitters: Benign (3). Last evaluated 2026-02-03.

Allele frequency attached by ClinVar (database versions not stated): 1000 Genomes Project 0.07428; 1000 Genomes Project 30x 0.07448; TOPMed 0.11881; gnomAD 0.12967 and 0.13286; gnomAD exomes 0.13624; ESP Exome Variant Server 0.13723; ExAC 0.18730.
gnomAD v4.1: 262,774 of 1,577,940 alleles (17%); highest among the groups gnomAD compares: Non-Finnish European, 19%; 24,025 homozygotes.

Submissions (3):

Labcorp Genetics (formerly Invitae), Labcorp
Classification: Benign. Last evaluated: 2026-02-03. Review status: criteria provided, single submitter. Criteria: Invitae Variant Classification Sherloc (09022015). Collection method: clinical testing. Allele origin: germline.

Mayo Clinic Laboratories, Mayo Clinic
Classification: Benign. Last evaluated: 2022-10-27. Review status: criteria provided, single submitter. Criteria: ACMG Guidelines, 2015. Collection method: clinical testing. Allele origin: germline. Observed: 289 variant alleles.

GeneDx
Classification: Benign. Last evaluated: 2016-01-24. Review status: criteria provided, single submitter. Criteria: GeneDx Variant Classification (06012015). Collection method: clinical testing. Allele origin: germline. Affected: yes.
Comment: This variant is considered likely benign or benign based on one or more of the following criteria: it is a conservative change, it occurs at a poorly conserved position in the protein, it is predicted to be benign by multiple in silico algorithms, and/or has population frequency not consistent with disease.

NM_002887.4(RARS1):c.729C>A (p.Thr243=)

Gene: RARS1 (arginyl-tRNA synthetase 1; plus strand). Cytogenetic location: 5q34.
Variant type: single nucleotide variant.
Coding change: c.729C>A on transcript NM_002887.4 (MANE Select); coding-DNA position 729, C replaced by A.
Protein change: p.Thr243=; no amino-acid change (threonine 243 retained).
Molecular consequence: synonymous variant.
Genome position (GRCh38, 1-based): chr5:168,497,255, C>A. VCF-style: chr5-168497255-C-A. GRCh37 (hg19) VCF-style: chr5-167924260-C-A.
Other names: p.Thr243=.
Identifiers: ClinVar variation 380052 (VCV000380052.11), dbSNP rs11557637, ClinGen allele CA3549705.